The following is an entry in ClinVar:

ClinVar aggregate classification (germline): Uncertain significance (1 of 4 stars; one submission).

Conditions:
Carnitine palmitoyl transferase 1A deficiency. Also called: CPT I DEFICIENCY; CPT DEFICIENCY, HEPATIC, TYPE I; Carnitine palmitoyltransferase type I deficiency; Carnitine palmitoyltransferase 1A deficiency; CPT deficiency, hepatic, type IA. Identifiers: Orphanet 156, MedGen C1829703, MONDO:0009705, OMIM 255120.

Allele frequency attached by ClinVar (database versions not stated): TOPMed below 0.00001.
gnomAD v4.1: 1 of 1,614,210 alleles (0.000062%); highest among the groups gnomAD compares: East Asian, 0.0022%; no homozygotes.

Submission:

Labcorp Genetics (formerly Invitae), Labcorp
Classification: Uncertain significance for Carnitine palmitoyl transferase 1A deficiency. Last evaluated: 2025-09-25. Review status: criteria provided, single submitter. Criteria: Invitae Variant Classification Sherloc (09022015). Collection method: clinical testing. Allele origin: germline.
Comment: This sequence change replaces isoleucine, which is neutral and non-polar, with valine, which is neutral and non-polar, at codon 762 of the CPT1A protein (p.Ile762Val). This variant is not present in population databases (gnomAD no frequency). This variant has not been reported in the literature in individuals affected with CPT1A-related conditions. ClinVar contains an entry for this variant (Variation ID: 2872771). Invitae Evidence Modeling of protein sequence and biophysical properties (such as structural, functional, and spatial information, amino acid conservation, physicochemical variation, residue mobility, and thermodynamic stability) indicates that this missense variant is not expected to disrupt CPT1A protein function with a negative predictive value of 95%. In summary, the available evidence is currently insufficient to determine the role of this variant in disease. Therefore, it has been classified as a Variant of Uncertain Significance.

NM_001876.4(CPT1A):c.2284A>G (p.Ile762Val)

Gene: CPT1A (carnitine palmitoyltransferase 1A; minus strand). Cytogenetic location: 11q13.3.
Variant type: single nucleotide variant.
Coding change: c.2284A>G on transcript NM_001876.4 (MANE Select); coding-DNA position 2284, A replaced by G.
Protein change: p.Ile762Val; replaces isoleucine 762 with valine.
Molecular consequence: missense variant. On other transcripts: intron variant (1).
Genome position (GRCh38, 1-based): chr11:68,757,682, T>C on the plus strand (A>G on the coding strand, the complement: CPT1A is on the minus strand). VCF-style: chr11-68757682-T-C. GRCh37 (hg19) VCF-style: chr11-68525150-T-C.
Other names: c.2235+1887A>G (NM_001031847.3); short protein forms I762V.
Identifiers: ClinVar variation 2872771 (VCV002872771.3), dbSNP rs1946717520, ClinGen allele CA381624725.